The following is an entry in ClinVar:

NM_022336.4(EDAR):c.1221del (p.Ser407fs)

Genes: EDAR (ectodysplasin A receptor; minus strand), RANBP2 (RAN binding protein 2; plus strand). Cytogenetic location: 2q13.
Variant type: Deletion.
Coding change: c.1221del on transcript NM_022336.4 (MANE Select); coding-DNA position 1221, one base deleted (C; older notation c.1221delC).
Protein change: p.Ser407fs; shifts the reading frame from serine 407.
Molecular consequence: frameshift variant.
Genome position (GRCh38, 1-based): chr2:108,897,033, G deleted on the plus strand (C on the coding strand, the reverse complement: EDAR is on the minus strand). VCF-style (leftmost placement, unchanged base first): chr2-108897032-TG-T. GRCh37 (hg19) VCF-style: chr2-109513488-TG-T.
Other names: short protein forms S407fs.
Identifiers: ClinVar variation 2944544 (VCV002944544.3), dbSNP rs2470612939, ClinGen allele CA2740095681.
Genomic context (GRCh38, chr2:108,897,032, plus strand): 5'-ACAAGGACTCCACAGCATCCAGCCGCTCAATCTGCACCAGTTTTGTGAGTAGCTCAGGGA[TG>T]CTGTAGCCTGCCGTGCTGATGCGGTCAAAGAGTTGCATGCCGTCTGTCATGCCCCCAATC-3'

ClinVar aggregate classification (germline): Pathogenic (1 of 4 stars; one submission).

Conditions:
Ectodermal dysplasia 10A, hypohidrotic/hair/nail type, autosomal dominant (ECTD10A). Also called: Ectodermal Dysplasia 3, Anhidrotic. Identifiers: Orphanet 1810, Orphanet 238468, MedGen C3888065, MONDO:0007509, OMIM 129490.
Autosomal recessive hypohidrotic ectodermal dysplasia syndrome. Also called: Autosomal recessive hypohidrotic ectodermal dysplasia. Identifiers: Orphanet 248, MedGen C0406702, MONDO:0016619.

Submission:

Labcorp Genetics (formerly Invitae), Labcorp
Classification: Pathogenic for Ectodermal dysplasia 10A, hypohidrotic/hair/nail type, autosomal dominant; Autosomal recessive hypohidrotic ectodermal dysplasia syndrome. Last evaluated: 2023-02-20. Review status: criteria provided, single submitter. Criteria: Invitae Variant Classification Sherloc (09022015). Collection method: clinical testing. Allele origin: germline.
Comment: This sequence change results in a frameshift in the EDAR gene (p.Ser407Argfs*93). While this is not anticipated to result in nonsense mediated decay, it is expected to disrupt the last 42 amino acid(s) of the EDAR protein and extend the protein by 50 additional amino acid residues. For these reasons, this variant has been classified as Pathogenic. This variant disrupts a region of the EDAR protein in which other variant(s) (p.Glu433*) have been determined to be pathogenic (Invitae). This suggests that this is a clinically significant region of the protein, and that variants that disrupt it are likely to be disease-causing. This variant has not been reported in the literature in individuals affected with EDAR-related conditions. This variant is not present in population databases (gnomAD no frequency).